The following is an entry in ClinVar:

NM_001018005.2(TPM1):c.469G>A (p.Asp157Asn)

Gene: TPM1 (tropomyosin 1; plus strand). Cytogenetic location: 15q22.2.
Variant type: single nucleotide variant.
Coding change: c.469G>A on transcript NM_001018005.2 (MANE Select); coding-DNA position 469, G replaced by A.
Protein change: p.Asp157Asn; replaces aspartic acid 157 with asparagine.
Molecular consequence: missense variant.
Genome position (GRCh38, 1-based): chr15:63,059,657, G>A. VCF-style: chr15-63059657-G-A. GRCh37 (hg19) VCF-style: chr15-63351856-G-A.
Other names: c.469G>A, p.Asp157Asn (NM_000366.6, NM_001018004.2, NM_001018006.2 and 20 more transcripts); c.361G>A, p.Asp121Asn (NM_001018008.2, NM_001301289.2, NM_001330344.2 and 9 more transcripts); c.595G>A, p.Asp199Asn (NM_001365778.1, NM_001407322.1, NM_001407323.1 and 1 more transcripts); short protein forms D121N, D157N, D199N.
Identifiers: ClinVar variation 1720060 (VCV001720060.5), dbSNP rs2542777458, ClinGen allele CA392722423.

ClinVar aggregate classification (germline): Uncertain significance (1 of 4 stars; one submission).

Conditions:
Hypertrophic cardiomyopathy. Also called: HYPERTROPHIC MYOCARDIOPATHY. Identifiers: Orphanet 217569, MedGen C0007194, MeSH D002312, MONDO:0005045, HP:0001639.

Submission:

Labcorp Genetics (formerly Invitae), Labcorp
Classification: Uncertain significance for Hypertrophic cardiomyopathy. Last evaluated: 2025-09-15. Review status: criteria provided, single submitter. Criteria: Invitae Variant Classification Sherloc (09022015). Collection method: clinical testing. Allele origin: germline.
Comment: This sequence change replaces aspartic acid, which is acidic and polar, with asparagine, which is neutral and polar, at codon 157 of the TPM1 protein (p.Asp157Asn). This variant is not present in population databases (gnomAD no frequency). This variant has not been reported in the literature in individuals affected with TPM1-related conditions. ClinVar contains an entry for this variant (Variation ID: 1720060). An algorithm developed to predict the effect of missense changes on protein structure and function (PolyPhen-2) suggests that this variant is likely to be tolerated. In summary, the available evidence is currently insufficient to determine the role of this variant in disease. Therefore, it has been classified as a Variant of Uncertain Significance.